The following is an entry in ClinVar:

NM_001848.3(COL6A1):c.1845CCT[1] (p.Leu617del)

Gene: COL6A1 (collagen type VI alpha 1 chain; plus strand). Cytogenetic location: 21q22.3.
Variant type: Microsatellite.
Coding change: c.1845CCT[1] on transcript NM_001848.3 (MANE Select); one copy of the 3-base unit CCT starting at c.1845; the reference has two copies in a row; one copy, 3 bases deleted.
Protein change: p.Leu617del; deletes leucine 617.
Molecular consequence: inframe deletion.
Genome position (GRCh38, 1-based): chr21:46,001,278-46,001,280, CCT deleted; deleting any 3 consecutive bases within chr21:46,001,275-46,001,280 gives the same sequence; the position shown is the placement nearest the transcript's 3' end. VCF-style (leftmost placement, unchanged base first): chr21-46001274-ACCT-A. GRCh37 (hg19) VCF-style: chr21-47421188-ACCT-A.
Other names: c.1848_1850delCCT (NM_001848.2); short protein forms L617del.
Identifiers: ClinVar variation 426313 (VCV000426313.23), dbSNP rs1085307560, ClinGen allele CA645294124.

ClinVar aggregate classification (germline): Conflicting classifications of pathogenicity. Review status: criteria provided, conflicting classifications (1 of 4 stars). 4 submissions from 4 submitters: Likely pathogenic (1); Uncertain significance (3). Last evaluated 2026-02-01.

Conditions:
Bethlem myopathy 1A. Also called: Bethlem myopathy 1; MYOPATHY, BENIGN CONGENITAL, WITH CONTRACTURES; Bethlem Muscular Dystrophy. Identifiers: Orphanet 610, MedGen CN029274, MONDO:0024530, OMIM 158810.

Submissions (4):

GeneDx
Classification: Likely pathogenic. Last evaluated: 2026-02-01. Review status: criteria provided, single submitter. Criteria: GeneDx Variant Classification Process June 2021. Collection method: clinical testing. Allele origin: germline. Affected: yes.
Comment: In-frame deletion of 1 amino acid in a non-repeat region; Not observed at significant frequency in large population cohorts (gnomAD); In silico analysis supports a deleterious effect on protein structure/function; This variant is associated with the following publications: (PMID: 33250842)

Labcorp Genetics (formerly Invitae), Labcorp
Classification: Uncertain significance for Bethlem myopathy 1A. Last evaluated: 2023-04-03. Review status: criteria provided, single submitter. Criteria: Invitae Variant Classification Sherloc (09022015). Collection method: clinical testing. Allele origin: germline.
Comment: This variant, c.1848_1850del, results in the deletion of 1 amino acid(s) of the COL6A1 protein (p.Leu617del), but otherwise preserves the integrity of the reading frame. This variant is not present in population databases (gnomAD no frequency). This variant has been observed in individual(s) with clinical features of type VI collagenopathies (PMID: 33250842). ClinVar contains an entry for this variant (Variation ID: 426313). Experimental studies and prediction algorithms are not available or were not evaluated, and the functional significance of this variant is currently unknown. Algorithms developed to predict the effect of sequence changes on RNA splicing suggest that this variant may disrupt the consensus splice site. In summary, the available evidence is currently insufficient to determine the role of this variant in disease. Therefore, it has been classified as a Variant of Uncertain Significance.

Mayo Clinic Laboratories, Mayo Clinic
Classification: Uncertain significance. Last evaluated: 2020-05-21. Review status: criteria provided, single submitter. Criteria: ACMG Guidelines, 2015. Collection method: clinical testing. Allele origin: germline. Observed: 1 variant allele.

Eurofins Ntd Llc (ga)
Classification: Uncertain significance. Last evaluated: 2017-10-23. Review status: criteria provided, single submitter. Criteria: EGL Classification Definitions 2015. Collection method: clinical testing. Allele origin: germline. Observed: 2 variant alleles, 2 heterozygotes.

Literature cited by the submitters: PubMed 33250842 (cited by Labcorp Genetics (formerly Invitae), Labcorp).